The following is an entry in ClinVar:

NM_020937.4(FANCM):c.2593C>G (p.Gln865Glu)

Gene: FANCM (FA complementation group M; plus strand). Cytogenetic location: 14q21.2.
Variant type: single nucleotide variant.
Coding change: c.2593C>G on transcript NM_020937.4 (MANE Select); coding-DNA position 2593, C replaced by G.
Protein change: p.Gln865Glu; replaces glutamine 865 with glutamic acid.
Molecular consequence: missense variant.
Genome position (GRCh38, 1-based): chr14:45,175,347, C>G. VCF-style: chr14-45175347-C-G. GRCh37 (hg19) VCF-style: chr14-45644550-C-G.
Other names: c.2515C>G, p.Gln839Glu (NM_001308133.2); short protein forms Q865E, Q839E.
Identifiers: ClinVar variation 4844531 (VCV004844531.1).

ClinVar aggregate classification (germline): Uncertain significance (1 of 4 stars; one submission).

Conditions:
Inborn genetic diseases. Identifiers: MedGen C0950123, MeSH D030342.

gnomAD v4.1: 2 of 1,556,322 alleles (0.00013%); highest among the groups gnomAD compares: Admixed American, 0.004%; no homozygotes.

Submission:

Ambry Genetics
Classification: Uncertain significance for Inborn genetic diseases. Last evaluated: 2026-01-18. Review status: criteria provided, single submitter. Criteria: Ambry Variant Classification Scheme 2023. Collection method: clinical testing. Allele origin: germline.
Comment: The p.Q865E variant (also known as c.2593C>G), located in coding exon 14 of the FANCM gene, results from a C to G substitution at nucleotide position 2593. The glutamine at codon 865 is replaced by glutamic acid, an amino acid with highly similar properties. This amino acid position is conserved. In addition, this alteration is predicted to be tolerated by in silico analysis. Based on the available evidence, the clinical significance of this variant remains unclear.